The following is an entry in ClinVar:

ClinVar aggregate classification (germline): Uncertain significance. Review status: criteria provided, multiple submitters, no conflicts (2 of 4 stars). 3 submissions from 3 submitters: Uncertain significance (3). Last evaluated 2025-05-25.

Conditions:
Inborn genetic diseases. Identifiers: MedGen C0950123, MeSH D030342.
Glycogen storage disease IXb (GSD9B). Also called: GLYCOGENOSIS OF LIVER AND MUSCLE, AUTOSOMAL RECESSIVE; GSD IXb; PHOSPHORYLASE KINASE DEFICIENCY OF LIVER AND MUSCLE, AUTOSOMAL RECESSIVE. Identifiers: Orphanet 79240, MedGen C0543514, MONDO:0009868, OMIM 261750.

Allele frequency attached by ClinVar (database versions not stated): gnomAD 0.00001; gnomAD exomes 0.00002; TOPMed 0.00002.
gnomAD v4.1: 27 of 1,607,904 alleles (0.0017%); highest among the groups gnomAD compares: Non-Finnish European, 0.0021%; no homozygotes.

Submissions (3):

Ambry Genetics
Classification: Uncertain significance for Inborn genetic diseases. Last evaluated: 2025-05-25. Review status: criteria provided, single submitter. Criteria: Ambry Variant Classification Scheme 2023. Collection method: clinical testing. Allele origin: germline.

Blueprint Genetics
Classification: Uncertain significance. Last evaluated: 2024-10-04. Review status: criteria provided, single submitter. Criteria: ACMG Guidelines, 2015. Collection method: clinical testing. Allele origin: germline.

Labcorp Genetics (formerly Invitae), Labcorp
Classification: Uncertain significance for Glycogen storage disease IXb. Last evaluated: 2024-04-29. Review status: criteria provided, single submitter. Criteria: Invitae Variant Classification Sherloc (09022015). Collection method: clinical testing. Allele origin: germline.
Comment: This sequence change replaces isoleucine, which is neutral and non-polar, with threonine, which is neutral and polar, at codon 621 of the PHKB protein (p.Ile621Thr). This variant is present in population databases (no rsID available, gnomAD 0.007%). This variant has not been reported in the literature in individuals affected with PHKB-related conditions. ClinVar contains an entry for this variant (Variation ID: 1417874). An algorithm developed to predict the effect of missense changes on protein structure and function (PolyPhen-2) suggests that this variant is likely to be disruptive. In summary, the available evidence is currently insufficient to determine the role of this variant in disease. Therefore, it has been classified as a Variant of Uncertain Significance.

NM_000293.3(PHKB):c.1862T>C (p.Ile621Thr)

Gene: PHKB (phosphorylase kinase regulatory subunit beta; plus strand). Cytogenetic location: 16q12.1.
Variant type: single nucleotide variant.
Coding change: c.1862T>C on transcript NM_000293.3 (MANE Select); coding-DNA position 1862, T replaced by C.
Protein change: p.Ile621Thr; replaces isoleucine 621 with threonine.
Molecular consequence: missense variant.
Genome position (GRCh38, 1-based): chr16:47,650,608, T>C. VCF-style: chr16-47650608-T-C. GRCh37 (hg19) VCF-style: chr16-47684519-T-C.
Other names: c.1841T>C, p.Ile614Thr (NM_001031835.3); c.1862T>C, p.Ile621Thr (NM_001363837.1); c.1862T>C (NM_000293.2); short protein forms I614T, I621T.
Identifiers: ClinVar variation 1417874 (VCV001417874.6), dbSNP rs1042750036, ClinGen allele CA280210509.